The following is an entry in ClinVar:

ClinVar aggregate classification (germline): Uncertain significance (1 of 4 stars; one submission).

Conditions:
Cardiovascular phenotype. Identifiers: MedGen CN230736.

Allele frequency attached by ClinVar (database versions not stated): gnomAD 0.00001.
gnomAD v4.1: 2 of 1,612,770 alleles (0.00012%); highest among the groups gnomAD compares: African/African-American, 0.0027%; no homozygotes.

Submission:

Ambry Genetics
Classification: Uncertain significance for Cardiovascular phenotype. Last evaluated: 2023-04-24. Review status: criteria provided, single submitter. Criteria: Ambry Variant Classification Scheme 2023. Collection method: clinical testing. Allele origin: germline.
Comment: The p.Q2830L variant (also known as c.8489A>T), located in coding exon 24 of the TNXB gene, results from an A to T substitution at nucleotide position 8489. The glutamine at codon 2830 is replaced by leucine, an amino acid with dissimilar properties. This amino acid position is conserved. In addition, this alteration is predicted to be tolerated by in silico analysis. Since supporting evidence is limited at this time, the clinical significance of this alteration remains unclear.

NM_001365276.2(TNXB):c.8495A>T (p.Gln2832Leu)

Gene: TNXB (tenascin XB; minus strand). Cytogenetic location: 6p21.33.
Variant type: single nucleotide variant.
Coding change: c.8495A>T on transcript NM_001365276.2 (MANE Select); coding-DNA position 8495, A replaced by T.
Protein change: p.Gln2832Leu; replaces glutamine 2832 with leucine.
Molecular consequence: missense variant.
Genome position (GRCh38, 1-based): chr6:32,053,684, T>A on the plus strand (A>T on the coding strand, the complement: TNXB is on the minus strand). VCF-style: chr6-32053684-T-A. GRCh37 (hg19) VCF-style: chr6-32021461-T-A.
Other names: c.8489A>T, p.Gln2830Leu (NM_019105.8); short protein forms Q2830L, Q2832L.
Identifiers: ClinVar variation 2565728 (VCV002565728.2), dbSNP rs1442863655, ClinGen allele CA363547637.
Genomic context (GRCh38, chr6:32,053,684, plus strand): 5'-ACGGTCAGCTCCCCGAGGCGAGGCTTGTTGGGGGGCTCAGGGGTTGTGGTGGGCACTGCT[T>A]GGGTGGTCTCTGCTTCATCCTCTGGAGCTGGACAGACACGTGTGGGGAGAGTGAGGTCCC-3'
Protein context (NP_001352205.1, residues 2822-2842): TAPEDEAETT[Gln2832Leu]AVPTTTPEPP